The following is an entry in ClinVar:

ClinVar aggregate classification (germline): Likely benign (1 of 4 stars; one submission).

gnomAD v4.1: 80 of 1,613,682 alleles (0.005%); highest among the groups gnomAD compares: Non-Finnish European, 0.0065%; no homozygotes.

Submission:

Women's Health and Genetics/Laboratory Corporation of America, LabCorp
Classification: Likely benign. Last evaluated: 2025-11-14. Review status: criteria provided, single submitter. Criteria: LabCorp Variant Classification Summary - May 2015. Collection method: clinical testing. Allele origin: germline.
Comment: Variant summary: AKT2 c.828C>T alters a conserved nucleotide resulting in a synonymous change. Consensus agreement among computation tools predict no significant impact on normal splicing. However, these predictions have yet to be confirmed by functional studies. The variant allele was found at a frequency of 1.2e-05 in 250270 control chromosomes. The available data on variant occurrences in the general population are insufficient to allow any conclusion about variant significance. To our knowledge, no occurrence of c.828C>T in individuals affected with AKT2-related conditions and no experimental evidence demonstrating its impact on protein function have been reported. No submitters have cited clinical-significance assessments for this variant to ClinVar. Based on the evidence outlined above, the variant was classified as likely benign.

NM_001626.6(AKT2):c.828C>T (p.Ile276=)

Gene: AKT2 (AKT serine/threonine kinase 2; minus strand). Cytogenetic location: 19q13.2.
Variant type: single nucleotide variant.
Coding change: c.828C>T on transcript NM_001626.6 (MANE Select); coding-DNA position 828, C replaced by T.
Protein change: p.Ile276=; no amino-acid change (isoleucine 276 retained).
Molecular consequence: synonymous variant.
Genome position (GRCh38, 1-based): chr19:40,237,972, G>A on the plus strand (C>T on the coding strand, the complement: AKT2 is on the minus strand). VCF-style: chr19-40237972-G-A. GRCh37 (hg19) VCF-style: chr19-40743879-G-A.
Other names: c.642C>T, p.Ile214= (NM_001243027.3, NM_001243028.3); c.828C>T, p.Ile276= (NM_001330511.1).
Identifiers: ClinVar variation 4536683 (VCV004536683.1).